The following is an entry in ClinVar:

ClinVar aggregate classification (germline): Pathogenic (1 of 4 stars; one submission).

Conditions:
Familial cancer of breast. Also called: Hereditary breast cancer; BREAST CANCER, FAMILIAL; hereditary breast carcinoma. Identifiers: Orphanet 227535, MedGen C0346153, MONDO:0016419, OMIM 114480. Disease mechanism: loss of function.

Submission:

Myriad Genetics, Inc.
Classification: Pathogenic for Familial cancer of breast. Last evaluated: 2023-05-18. Review status: criteria provided, single submitter. Criteria: Myriad Autosomal Dominant, Autosomal Recessive and X-Linked Classification Criteria (2023). Collection method: clinical testing. Allele origin: unknown.
Comment: This variant is considered pathogenic. This variant creates a termination codon and is predicted to result in premature protein truncation.

NM_000465.4(BARD1):c.286A>T (p.Lys96Ter)

Gene: BARD1 (BRCA1 associated RING domain 1; minus strand). Cytogenetic location: 2q35.
Variant type: single nucleotide variant.
Coding change: c.286A>T on transcript NM_000465.4 (MANE Select); coding-DNA position 286, A replaced by T.
Protein change: p.Lys96Ter; replaces lysine 96 with a stop codon.
Molecular consequence: nonsense. On other transcripts: non-coding transcript variant (1), intron variant (2).
Genome position (GRCh38, 1-based): chr2:214,792,375, T>A on the plus strand (A>T on the coding strand, the complement: BARD1 is on the minus strand). VCF-style: chr2-214792375-T-A. GRCh37 (hg19) VCF-style: chr2-215657099-T-A.
Other names: c.229A>T, p.Lys77Ter (NM_001282543.2); c.286A>T, p.Lys96Ter (NM_001282549.2); c.158+17037A>T (NM_001282548.2); c.215+4686A>T (NM_001282545.2); short protein forms K77*, K96*.
Identifiers: ClinVar variation 2583598 (VCV002583598.2), dbSNP rs2469561106, ClinGen allele CA350461055.